The following is an entry in ClinVar:

ClinVar aggregate classification (germline): Uncertain significance (1 of 4 stars; one submission).

Submission:

Ambry Genetics
Classification: Uncertain significance. Last evaluated: 2026-05-17. Review status: criteria provided, single submitter. Criteria: Ambry Variant Classification Scheme 2023. Collection method: clinical testing. Allele origin: germline.
Comment: The p.P784H variant (also known as c.2351C>A), located in coding exon 10 of the WNK2 gene, results from a C to A substitution at nucleotide position 2351. The proline at codon 784 is replaced by histidine, an amino acid with similar properties. This amino acid position is conserved. In addition, this alteration is predicted to be tolerated by in silico analysis. Based on the available evidence, the clinical significance of this variant remains unclear.

NM_006648.4(WNK2):c.2351C>A (p.Pro784His)

Gene: WNK2 (WNK lysine deficient protein kinase 2; plus strand). Cytogenetic location: 9q22.31.
Variant type: single nucleotide variant.
Coding change: c.2351C>A on transcript NM_006648.4 (MANE Select); coding-DNA position 2351, C replaced by A.
Protein change: p.Pro784His; replaces proline 784 with histidine.
Molecular consequence: missense variant.
Genome position (GRCh38, 1-based): chr9:93,257,108, C>A. VCF-style: chr9-93257108-C-A. GRCh37 (hg19) VCF-style: chr9-96019390-C-A.
Other names: c.2351C>A, p.Pro784His (NM_001282394.3); short protein forms P784H.
Identifiers: ClinVar variation 4866676 (VCV004866676.1).
Genomic context (GRCh38, chr9:93,257,108, plus strand): 5'-CTCCAGCCTCCCAGGTGGGGGCCCCCGCTCAGCTGAAGCCCCTCCAGATGCCACAGGCGC[C>A]CCTGCAGCCGCTTGCTCAAGTCCCTCCGCAGGTAATTCTAGGTTGATGGCTGCCGTCAGT-3'
Protein context (NP_006639.3, residues 774-794): QLKPLQMPQA[Pro784His]LQPLAQVPPQ